The following is an entry in ClinVar:

ClinVar aggregate classification (germline): Uncertain significance (1 of 4 stars; one submission).

Allele frequency attached by ClinVar (database versions not stated): TOPMed 0.00001; ExAC 0.00002.

Submission:

Labcorp Genetics (formerly Invitae), Labcorp
Classification: Uncertain significance. Last evaluated: 2023-12-12. Review status: criteria provided, single submitter. Criteria: Invitae Variant Classification Sherloc (09022015). Collection method: clinical testing. Allele origin: germline.
Comment: This sequence change replaces glycine, which is neutral and non-polar, with serine, which is neutral and polar, at codon 11 of the POU4F3 protein (p.Gly11Ser). This variant is present in population databases (rs745807519, gnomAD 0.01%). This variant has not been reported in the literature in individuals affected with POU4F3-related conditions. An algorithm developed to predict the effect of missense changes on protein structure and function (PolyPhen-2) suggests that this variant is likely to be tolerated. In summary, the available evidence is currently insufficient to determine the role of this variant in disease. Therefore, it has been classified as a Variant of Uncertain Significance.

NM_002700.3(POU4F3):c.31G>A (p.Gly11Ser)

Genes: POU4F3 (POU class 4 homeobox 3; plus strand), RBM27-POU4F3 (RBM27-POU4F3 readthrough; plus strand). Cytogenetic location: 5q32.
Variant type: single nucleotide variant.
Coding change: c.31G>A on transcript NM_002700.3 (MANE Select); coding-DNA position 31, G replaced by A.
Protein change: p.Gly11Ser; replaces glycine 11 with serine.
Molecular consequence: missense variant.
Genome position (GRCh38, 1-based): chr5:146,339,143, G>A. VCF-style: chr5-146339143-G-A. GRCh37 (hg19) VCF-style: chr5-145718706-G-A.
Other names: c.2864G>A, p.Arg955Gln (NM_001414499.1); short protein forms R955Q, G11S.
Identifiers: ClinVar variation 2974951 (VCV002974951.3), dbSNP rs745807519, ClinGen allele CA3491015.
Genomic context (GRCh38, chr5:146,339,143, plus strand): 5'-ACCCGCTGCCACCCTGCCAGGAGCGCGAAGATGATGGCCATGAACTCCAAGCAGCCTTTC[G>A]GCATGCACCCGGTGCTGCAAGAACCCAAATTCTCCAGTCTGCACTCTGGCTCCGAGGCCA-3'
Protein context (NP_002691.1, residues 1-21): MMAMNSKQPF[Gly11Ser]MHPVLQEPKF